The following is an entry in ClinVar:

NM_006073.4(TRDN):c.1624+1G>C

Gene: TRDN (triadin; minus strand). Cytogenetic location: 6q22.31.
Variant type: single nucleotide variant.
Coding change: c.1624+1G>C on transcript NM_006073.4 (MANE Select); the canonical splice donor site of the intron after coding-DNA position 1624, G replaced by C.
Molecular consequence: splice donor variant.
Genome position (GRCh38, 1-based): chr6:123,273,336, C>G on the plus strand (G>C on the coding strand, the complement: TRDN is on the minus strand). VCF-style: chr6-123273336-C-G. GRCh37 (hg19) VCF-style: chr6-123594481-C-G.
Other names: c.1624+1G>C (NM_006073.2).
Identifiers: ClinVar variation 1369185 (VCV001369185.45), dbSNP rs748011906, ClinGen allele CA147231744.

ClinVar aggregate classification (germline): Uncertain significance. Review status: criteria provided, multiple submitters, no conflicts (2 of 4 stars). 2 submissions from 2 submitters: Uncertain significance (2). Last evaluated 2023-05-17.

Conditions:
Cardiovascular phenotype. Identifiers: MedGen CN230736.
Catecholaminergic polymorphic ventricular tachycardia 1. Also called: VENTRICULAR TACHYCARDIA, STRESS-INDUCED POLYMORPHIC 1; VENTRICULAR TACHYCARDIA, CATECHOLAMINERGIC POLYMORPHIC, 1, WITH OR WITHOUT ATRIAL DYSFUNCTION AND/OR DILATED CARDIOMYOPATHY; RYR2-Related Catecholaminergic Polymorphic Ventricular Tachycardia. Identifiers: Orphanet 3286, MedGen C1631597, MONDO:0011484, OMIM 604772.

Submissions (2):

Ambry Genetics
Classification: Uncertain significance for Cardiovascular phenotype. Last evaluated: 2023-05-17. Review status: criteria provided, single submitter. Criteria: Ambry Variant Classification Scheme 2023. Collection method: clinical testing. Allele origin: germline.
Comment: The c.1624+1G>C intronic variant results from a G to C substitution one nucleotide after coding exon 28 of the TRDN gene. This nucleotide position is highly conserved in available vertebrate species. In silico splice site analysis for this alteration is inconclusive. Alterations that disrupt the canonical splice site are expected to cause aberrant splicing, resulting in an abnormal protein or a transcript that is subject to nonsense-mediated mRNA decay. However, this alteration does not impact the predominant cardiac isoform of TRDN (NM_001256021.1; Kobayashi YM et al. J. Biol. Chem., 1999 Oct;274:28660-8). Since supporting evidence is limited at this time, the clinical significance of this alteration remains unclear.

Labcorp Genetics (formerly Invitae), Labcorp
Classification: Uncertain significance for Catecholaminergic polymorphic ventricular tachycardia 1. Last evaluated: 2021-08-12. Review status: criteria provided, single submitter. Criteria: Invitae Variant Classification Sherloc (09022015). Collection method: clinical testing. Allele origin: germline.
Comment: This sequence change affects a donor splice site in intron 28 of the TRDN gene. However, it is currently unclear if variants that occur in this region of the gene cause disease. This variant is not present in population databases (ExAC no frequency). This variant has not been reported in the literature in individuals affected with TRDN-related conditions. Algorithms developed to predict the effect of sequence changes on RNA splicing suggest that this variant may disrupt the consensus splice site. In summary, the available evidence is currently insufficient to determine the role of this variant in disease. Therefore, it has been classified as a Variant of Uncertain Significance.